The following is an entry in ClinVar:

NM_033100.4(CDHR1):c.1751C>T (p.Thr584Met)

Gene: CDHR1 (cadherin related family member 1; plus strand). Cytogenetic location: 10q23.1.
Variant type: single nucleotide variant.
Coding change: c.1751C>T on transcript NM_033100.4 (MANE Select); coding-DNA position 1751, C replaced by T.
Protein change: p.Thr584Met; replaces threonine 584 with methionine.
Molecular consequence: missense variant.
Genome position (GRCh38, 1-based): chr10:84,212,376, C>T. VCF-style: chr10-84212376-C-T. GRCh37 (hg19) VCF-style: chr10-85972132-C-T.
Other names: c.1751C>T, p.Thr584Met (NM_001171971.3); c.1751C>T (NM_033100.2); short protein forms T584M.
Identifiers: ClinVar variation 833779 (VCV000833779.22), dbSNP rs754321329, ClinGen allele CA5580034.

ClinVar aggregate classification (germline): Conflicting classifications of pathogenicity. Review status: criteria provided, conflicting classifications (1 of 4 stars). 5 submissions from 5 submitters: Uncertain significance (3); Likely benign (2). Last evaluated 2025-08-11.

Conditions:
CDHR1-related disorder. Also called: CDHR1-related condition.
Inborn genetic diseases. Identifiers: MedGen C0950123, MeSH D030342.

Allele frequency attached by ClinVar (database versions not stated): gnomAD exomes 0.00008 and 0.00035; gnomAD 0.00013 and 0.00014; TOPMed 0.00017; ExAC 0.00025.
gnomAD v4.1: 139 of 1,614,034 alleles (0.0086%); highest among the groups gnomAD compares: Admixed American, 0.16%; 1 homozygote.

Submissions (5):

Labcorp Genetics (formerly Invitae), Labcorp
Classification: Likely benign. Last evaluated: 2025-08-11. Review status: criteria provided, single submitter. Criteria: Invitae Variant Classification Sherloc (09022015). Collection method: clinical testing. Allele origin: germline.

PreventionGenetics, part of Exact Sciences
Classification: Likely benign for CDHR1-related condition. Last evaluated: 2024-12-13. Review status: criteria provided, single submitter. Criteria: ACMG Guidelines, 2015. Collection method: clinical testing. Allele origin: germline.
Comment: This variant is classified as likely benign based on ACMG/AMP sequence variant interpretation guidelines (Richards et al. 2015 PMID: 25741868, with internal and published modifications).

Blueprint Genetics
Classification: Uncertain significance. Last evaluated: 2022-11-08. Review status: criteria provided, single submitter. Criteria: ACMG Guidelines, 2015. Collection method: clinical testing. Allele origin: germline.

Ambry Genetics
Classification: Uncertain significance for Inborn genetic diseases. Last evaluated: 2021-10-12. Review status: criteria provided, single submitter. Criteria: Ambry Variant Classification Scheme 2023. Collection method: clinical testing. Allele origin: germline.

ARUP Laboratories, Molecular Genetics and Genomics, ARUP Laboratories
Classification: Uncertain significance. Last evaluated: 2019-09-04. Review status: criteria provided, single submitter. Criteria: ARUP Molecular Germline Variant Investigation Process. Collection method: clinical testing. Allele origin: germline.
Comment: The CDHR1 c.1751C>T; p.Thr584Met variant (rs754321329), to our knowledge, is not reported in the medical literature or gene-specific databases. The variant is described in the general population with an allele frequency of 0.03% (92/282866 alleles including 1 homozygotes) in the Genome Aggregation Database. The amino acid at this position is highly conserved and computational algorithms (PolyPhen-2, SIFT) predict this variant is deleterious. Due to limited information, the clinical significance of this variant is uncertain.